The following is an entry in ClinVar:

NM_000059.4(BRCA2):c.8536G>A (p.Glu2846Lys)

Gene: BRCA2 (BRCA2 DNA repair associated; plus strand). Cytogenetic location: 13q13.1.
Variant type: single nucleotide variant.
Coding change: c.8536G>A on transcript NM_000059.4 (MANE Select); coding-DNA position 8536, G replaced by A.
Protein change: p.Glu2846Lys; replaces glutamic acid 2846 with lysine.
Molecular consequence: missense variant. On other transcripts: non-coding transcript variant (1).
Genome position (GRCh38, 1-based): chr13:32,371,004, G>A. VCF-style: chr13-32371004-G-A. GRCh37 (hg19) VCF-style: chr13-32945141-G-A.
Other names: c.8440G>A, p.Glu2814Lys (NM_001406719.1); c.8536G>A, p.Glu2846Lys (NM_001406720.1, NM_001432077.1); c.3604G>A, p.Glu1202Lys (NM_001406721.1); c.2119G>A, p.Glu707Lys (NM_001406722.1); short protein forms E707K, E1202K, E2814K, E2846K.
Identifiers: ClinVar variation 3481971 (VCV003481971.1).

ClinVar aggregate classification (germline): Uncertain significance (1 of 4 stars; one submission).

Conditions:
Hereditary cancer-predisposing syndrome. Also called: Tumor predisposition; Neoplastic Syndromes, Hereditary; Hereditary Cancer Syndrome; Hereditary neoplastic syndrome. Identifiers: Orphanet 140162, MedGen C0027672, MeSH D009386, MONDO:0015356.

Submission:

Ambry Genetics
Classification: Uncertain significance for Hereditary cancer-predisposing syndrome. Last evaluated: 2024-07-01. Review status: criteria provided, single submitter. Criteria: Ambry Variant Classification Scheme 2023. Collection method: clinical testing. Allele origin: germline.
Comment: The p.E2846K variant (also known as c.8536G>A), located in coding exon 19 of the BRCA2 gene, results from a G to A substitution at nucleotide position 8536. The glutamic acid at codon 2846 is replaced by lysine, an amino acid with similar properties. This amino acid position is not well conserved in available vertebrate species. In addition, the in silico prediction for this alteration is inconclusive. Based on the available evidence, the clinical significance of this variant remains unclear.